The following is an entry in ClinVar:

NM_001098511.3(KIF2A):c.936T>C (p.Tyr312=)

Gene: KIF2A (kinesin family member 2A; plus strand). Cytogenetic location: 5q12.1.
Variant type: single nucleotide variant.
Coding change: c.936T>C on transcript NM_001098511.3 (MANE Select); coding-DNA position 936, T replaced by C.
Protein change: p.Tyr312=; no amino-acid change (tyrosine 312 retained).
Molecular consequence: synonymous variant.
Genome position (GRCh38, 1-based): chr5:62,361,305, T>C. VCF-style: chr5-62361305-T-C. GRCh37 (hg19) VCF-style: chr5-61657132-T-C.
Other names: c.855T>C, p.Tyr285= (NM_001243952.2); c.879T>C, p.Tyr293= (NM_001243953.2); c.936T>C, p.Tyr312= (NM_004520.5).
Identifiers: ClinVar variation 382138 (VCV000382138.16), dbSNP rs115557867, ClinGen allele CA3278884.
Genomic context (GRCh38, chr5:62,361,305, plus strand): 5'-TACTGCTAGACCACTAGTGGAAACTATATTTGAAAGGGGAATGGCTACATGCTTTGCTTA[T>C]GGGCAGACTGGAAGTGGAAAAACTCATGTAAGTAATTTATTAAAGTTACATTCTGGTACG-3'
Protein context (NP_001091981.1, residues 302-322): FERGMATCFA[Tyr312=]GQTGSGKTHT

ClinVar aggregate classification (germline): Benign. Review status: criteria provided, multiple submitters, no conflicts (2 of 4 stars). 4 submissions from 4 submitters: Benign (4). Last evaluated 2026-01-28.

Allele frequency attached by ClinVar (database versions not stated): gnomAD exomes 0.00057 and 0.00159; ExAC 0.00294; gnomAD 0.00677 and 0.00725; ESP Exome Variant Server 0.00684; TOPMed 0.00762; 1000 Genomes Project 0.00859; 1000 Genomes Project 30x 0.00953.
gnomAD v4.1: 1,906 of 1,608,316 alleles (0.12%); highest among the groups gnomAD compares: African/African-American, 2.3%; 24 homozygotes.

Submissions (4):

Labcorp Genetics (formerly Invitae), Labcorp
Classification: Benign. Last evaluated: 2026-01-28. Review status: criteria provided, single submitter. Criteria: Invitae Variant Classification Sherloc (09022015). Collection method: clinical testing. Allele origin: germline.

Genetic Services Laboratory, University of Chicago
Classification: Benign. Last evaluated: 2017-09-14. Review status: criteria provided, single submitter. Criteria: ACMG Guidelines, 2015. Collection method: clinical testing. Allele origin: germline. Affected: no.

GeneDx
Classification: Benign. Last evaluated: 2016-11-22. Review status: criteria provided, single submitter. Criteria: GeneDx Variant Classification (06012015). Collection method: clinical testing. Allele origin: germline. Affected: yes.
Comment: This variant is considered likely benign or benign based on one or more of the following criteria: it is a conservative change, it occurs at a poorly conserved position in the protein, it is predicted to be benign by multiple in silico algorithms, and/or has population frequency not consistent with disease.

Breakthrough Genomics
Classification: Benign. Review status: criteria provided, single submitter. Criteria: ACMG Guidelines, 2015. Collection method: not provided. Allele origin: germline. Inheritance: Autosomal dominant inheritance. Affected: yes.